The following is an entry in ClinVar:

ClinVar aggregate classification (germline): Conflicting classifications of pathogenicity. Review status: criteria provided, conflicting classifications (1 of 4 stars). 3 submissions from 3 submitters: Uncertain significance (2); Likely benign (1). Last evaluated 2024-11-25.

Conditions:
Cataract 46 juvenile-onset. Also called: CATARACT 46, JUVENILE-ONSET, WITH OR WITHOUT ARRHYTHMIC CARDIOMYOPATHY. Identifiers: Orphanet 91492, MedGen C0220721, MONDO:0008925, OMIM 212500.

Allele frequency attached by ClinVar (database versions not stated): 1000 Genomes Project 30x 0.00016; 1000 Genomes Project 0.00020; ExAC 0.00035; gnomAD 0.00049; TOPMed 0.00049; ESP Exome Variant Server 0.00062; gnomAD exomes 0.00088.
gnomAD v4.1: 1,328 of 1,614,014 alleles (0.082%); highest among the groups gnomAD compares: Non-Finnish European, 0.11%; no homozygotes.

Submissions (3):

Blueprint Genetics
Classification: Likely benign. Last evaluated: 2024-11-25. Review status: criteria provided, single submitter. Criteria: ACMG Guidelines, 2015. Collection method: clinical testing. Allele origin: germline.

Ambry Genetics
Classification: Uncertain significance. Last evaluated: 2024-06-28. Review status: criteria provided, single submitter. Criteria: Ambry Variant Classification Scheme 2023. Collection method: clinical testing. Allele origin: germline.

Clinical Genomics Laboratory, Stanford Medicine
Classification: Uncertain significance for Cataract 46 juvenile-onset. Last evaluated: 2021-07-23. Review status: criteria provided, single submitter. Criteria: ACMG Guidelines, 2015. Collection method: clinical testing. Allele origin: germline. Affected: yes. Observed: 1 heterozygote.
Comment: The p.Thr477Metvariant in the LEMD2gene has not been previously reported in association with disease. This variant has been identified in 84/128,664 European non-Finnishchromosomesincluding 1 homozygote (97/282,248 chromosomes overall)by the Genome Aggregation Database. Although this variant has been seen in the general population, it has not been observed at a frequency high enough to rule out pathogenicity. The threonine at position 477 is well conserved in mammals. Computational tools predict that the p.Thr477Metvariant is deleterious; however, the accuracy of in silicoalgorithms is limited. These data were assessed using the ACMG/AMP variant interpretation guidelines. In summary, the significance of the p.Thr477Met variant is uncertain;however, population frequency data suggests that this variant is more likely to be benign than pathogenic. Additional information is needed to resolve the significance of this variant.[ACMG evidence codes used: PP3; BS1_Supporting]

NM_181336.4(LEMD2):c.1430C>T (p.Thr477Met)

Gene: LEMD2 (LEM domain nuclear envelope protein 2; minus strand). Cytogenetic location: 6p21.31.
Variant type: single nucleotide variant.
Coding change: c.1430C>T on transcript NM_181336.4 (MANE Select); coding-DNA position 1430, C replaced by T.
Protein change: p.Thr477Met; replaces threonine 477 with methionine.
Molecular consequence: missense variant.
Genome position (GRCh38, 1-based): chr6:33,772,710, G>A on the plus strand (C>T on the coding strand, the complement: LEMD2 is on the minus strand). VCF-style: chr6-33772710-G-A. GRCh37 (hg19) VCF-style: chr6-33740487-G-A.
Other names: p.Thr477Met; c.524C>T, p.Thr175Met (NM_001143944.1, NM_001348709.2); c.1031C>T, p.Thr344Met (NM_001348710.2); short protein forms T344M, T477M, T175M.
Identifiers: ClinVar variation 2308600 (VCV002308600.5), dbSNP rs138593836, ClinGen allele CA3763012.